The following is an entry in ClinVar:

NM_000124.4(ERCC6):c.2950_2953del (p.Asn984fs)

Gene: ERCC6 (ERCC excision repair 6, chromatin remodeling factor; minus strand). Cytogenetic location: 10q11.23.
Variant type: Deletion.
Coding change: c.2950_2953del on transcript NM_000124.4 (MANE Select); coding-DNA positions 2950 to 2953, 4 bases deleted (AATA; older notation c.2950_2953delAATA).
Protein change: p.Asn984fs; shifts the reading frame from asparagine 984.
Molecular consequence: frameshift variant.
Genome position (GRCh38, 1-based): chr10:49,471,092-49,471,095, TATT deleted on the plus strand (AATA on the coding strand, the reverse complement: ERCC6 is on the minus strand); deleting any 4 consecutive bases within chr10:49,471,092-49,471,096 gives the same sequence; the c. name uses the placement nearest the transcript's 3' end. VCF-style (leftmost placement, unchanged base first): chr10-49471091-CTATT-C. GRCh37 (hg19) VCF-style: chr10-50679137-CTATT-C.
Other names: c.2950_2953del, p.Asn984fs (NM_001346440.2); short protein forms N984fs.
Identifiers: ClinVar variation 429988 (VCV000429988.3), dbSNP rs747651923, ClinGen allele CA5495462.

ClinVar aggregate classification (germline): Pathogenic. Review status: criteria provided, multiple submitters, no conflicts (2 of 4 stars). 2 submissions from 2 submitters: Pathogenic (2). Last evaluated 2026-06-10.

Conditions:
Cockayne spectrum with or without cerebrooculofacioskeletal syndrome. Identifiers: MedGen CN315928, MONDO:0100506.

Submissions (2):

Myriad Genetics, Inc.
Classification: Pathogenic for Cockayne spectrum with or without cerebrooculofacioskeletal syndrome. Last evaluated: 2026-06-10. Review status: criteria provided, single submitter. Criteria: Myriad Autosomal Dominant, Autosomal Recessive and X-Linked Classification Criteria (2023). Collection method: clinical testing. Allele origin: unknown.
Comment: NM_000124.2(ERCC6):c.2950_2953delAATA(N984Efs*3) is expected to be pathogenic in the context of ERCC6-related disorders. This variant is predicted to lead to an abnormal or absent protein product due to the creation of a premature termination codon in ERCC6, a gene where loss-of-function variants are known to be pathogenic. Please note: this variant was assessed in the context of healthy population screening.

GeneDx
Classification: Pathogenic. Last evaluated: 2017-04-20. Review status: criteria provided, single submitter. Criteria: GeneDx Variant Classification (06012015). Collection method: clinical testing. Allele origin: germline. Affected: yes.
Comment: The c.2950_2953delAATA variant in the ERCC6 gene has not been reported previously as a pathogenic variant nor as a benign variant, to our knowledge. The c.2950_2953delAATA variant causes a frameshift starting with codon Asparagine 98, changes this amino acid to a Glutamic acid residue, and creates a premature Stop codon at position 3 of the new reading frame, denoted p.Asn984GlufsX3. This variant is predicted to cause loss of normal protein function either through protein truncation or nonsense-mediated mRNA decay. The c.2950_2953delAATA variant is not observed in large population cohorts (Lek et al., 2016; 1000 Genomes Consortium et al., 2015; Exome Variant Server). We interpret c.2950_2953delAATA as a pathogenic variant.